The following is an entry in ClinVar:

ClinVar aggregate classification (germline): Pathogenic. Review status: reviewed by expert panel (3 of 4 stars). 26 submissions from 26 submitters: Pathogenic (1). 25 of the submissions do not count toward it. Last evaluated 2018-09-19.

Conditions:
SLC26A4-related disorder. Also called: SLC26A4-related disorders; SLC26A4-related condition.
Rare genetic deafness. Identifiers: Orphanet 96210, MedGen C5680250.
Autosomal recessive nonsyndromic hearing loss 4 (DFNB4). Also called: Deafness, autosomal recessive 4, with enlarged vestibular aqueduct; Nonsyndromic enlarged vestibular aqueduct (NSEVA); FOXI1-Related Pendred Syndrome; KCNJ10-Related Pendred Syndrome; DEAFNESS, AUTOSOMAL RECESSIVE 4, WITH ENLARGED VESTIBULAR AQUEDUCT, DIGENIC; NEUROSENSORY NONSYNDROMIC RECESSIVE DEAFNESS 4. Identifiers: Orphanet 90636, MedGen C3538946, MONDO:0010933, OMIM 600791.
Pendred syndrome (PDS). Also called: Pendred Syndrome (PDS); THYROID DYSHORMONOGENESIS 2B; THYROID HORMONOGENESIS, GENETIC DEFECT IN, 2B; DEAFNESS WITH GOITER; GOITER-DEAFNESS SYNDROME; Pendred's syndrome. Identifiers: Orphanet 705, MedGen C0271829, MONDO:0010134, OMIM 274600.
Hearing impairment. Also called: Impaired Hearing. Identifiers: MedGen C1384666, MONDO:0005365, HP:0000365.

Allele frequency attached by ClinVar (database versions not stated): gnomAD exomes 0.00018; TOPMed 0.00021; gnomAD 0.00018 and 0.00019; ExAC 0.00021.
gnomAD v4.1: 407 of 1,564,088 alleles (0.026%); highest among the groups gnomAD compares: Non-Finnish European, 0.033%; 1 homozygote.

Submissions 1 to 8 of 26:

ClinGen Hearing Loss Variant Curation Expert Panel
Classification: Pathogenic for Pendred syndrome. Last evaluated: 2018-09-19. Review status: reviewed by expert panel. Criteria: ClinGen HL ACMG Specifications v1. Collection method: curation. Allele origin: germline. Inheritance: Autosomal recessive inheritance.
Comment: The p.Val138Phe variant in SLC26A4 has been detected in over 4 patients with Pendred syndrome or hearing loss with enlarged vestibular aqueducts who harbored a pathogenic or suspected pathogenic variant in trans with p.Val138Phe (PM3_VS; PMID: 17503324, 15689455, 20597900, 18285825, 23965030, 24224479, 21551164, 23273637, 12788906, 16570074). This variant was found to have a statistically higher prevalence in affected individuals over controls (PS4; PMID: 25999548, 23336812, 26683941). The p.Val138Phe variant in SLC26A4 has been reported to segregate with hearing loss in at least 2 family members (PP1_M; PMID: 12788906). The allele frequency of the p.Val138Phe variant in the SLC26A4 gene is 0.03% (38/126540) of European chromosomes by the Genome Aggregation Database, which is a low enough frequency to award PM2_Supporting based on the thresholds defined by the ClinGen Hearing Loss Expert Panel for autosomal recessive hearing loss (PM2_P). Computational prediction tools and conservation analysis suggest that the p.Val138Phe variant may impact the protein (PP3). At least one patient with a variant in this gene displayed features of EVA and/or Mondini malformation which are consistent with Pendred syndrome (PP4; PMID: 12788906, 23273637). A functional study performed in HeLa and human embryonic kidney cell lines demonstrated that pendrin harboring the p.Val138Phe variant did not localize to the cell membrane. However, there was no effect on iodide efflux (PS3_P; PMID: 11932316). In summary, this variant meets criteria to be classified as pathogenic for autosomal recessive Pendred syndrome/EVA based on the ACMG/AMP criteria applied: PM3_VS, PS4, PP1_M, PM2_Supporting, PP3, PP4, PS3_P.

PreventionGenetics, part of Exact Sciences
Classification: Pathogenic for SLC26A4-related condition. Last evaluated: 2026-07-27. Review status: criteria provided, single submitter. Criteria: ACMG Guidelines, 2015. Collection method: clinical testing. Allele origin: germline. Not counted in ClinVar's aggregate classification.
Comment: The SLC26A4 c.412G>T variant is predicted to result in the amino acid substitution p.Val138Phe. This variant has been reported to be causative for Pendred syndrome (Van et al. 1998. PubMed ID: 9618166; Borck et al. 2003. PubMed ID: 12788906; de Moraes et al. 2013. PubMed ID: 23273637; Bałdyga et al. 2023. PubMed ID: 36833263). Functional studies show this variant results in loss of proper localization of the SLC26A4 protein to the cell membrane (Taylor et al. 2002. PubMed ID: 11932316). This variant is reported in 0.029% of alleles in individuals of European (Non-Finnish) descent in gnomAD. This variant is interpreted as pathogenic.

Labcorp Genetics (formerly Invitae), Labcorp
Classification: Pathogenic. Last evaluated: 2026-01-15. Review status: criteria provided, single submitter. Criteria: Invitae Variant Classification Sherloc (09022015). Collection method: clinical testing. Allele origin: germline. Not counted in ClinVar's aggregate classification.
Comment: This sequence change replaces valine, which is neutral and non-polar, with phenylalanine, which is neutral and non-polar, at codon 138 of the SLC26A4 protein (p.Val138Phe). This variant is present in population databases (rs111033199, gnomAD 0.03%). This missense change has been observed in individuals with Pendred syndrome (PMID: 9618166, 11932316, 12788906, 21551164, 23273637, 24224479, 26969326). It has also been observed to segregate with disease in related individuals. ClinVar contains an entry for this variant (Variation ID: 4835). Invitae Evidence Modeling of protein sequence and biophysical properties (such as structural, functional, and spatial information, amino acid conservation, physicochemical variation, residue mobility, and thermodynamic stability) indicates that this missense variant is expected to disrupt SLC26A4 protein function with a positive predictive value of 80%. Experimental studies have shown that this missense change affects SLC26A4 function (PMID: 11932316). For these reasons, this variant has been classified as Pathogenic.

Natera, Inc.
Classification: Pathogenic for Pendred syndrome. Last evaluated: 2025-10-20. Review status: criteria provided, single submitter. Criteria: Natera Variant Classification Schema (03/2026). Collection method: clinical testing. Allele origin: germline. Not counted in ClinVar's aggregate classification.
Comment: The c.412G>T variant in SLC26A4 is a missense variant predicted to cause substitution of valine to phenylalanine at amino acid 138. This variant is rare in the general population with a frequency below the threshold expected for the associated phenotype(s). This variant has been observed in one or more individuals affected with the associated recessive disease, as either homozygous or compound heterozygous with a second variant (PMID: 12788906). Additionally, this variant has been observed to segregate in affected family members (PMID: 12788906). Given the available evidence, this variant is classified as Pathogenic.

Mayo Clinic Laboratories, Mayo Clinic
Classification: Pathogenic. Last evaluated: 2025-05-14. Review status: criteria provided, single submitter. Criteria: ACMG Guidelines, 2015. Collection method: clinical testing. Allele origin: germline. Observed: 1 variant allele. Not counted in ClinVar's aggregate classification.
Comment: PP1, PP3, PP4, PM2_supporting, PM3_strong, PS3, PS4

Department of Human Genetics, Hannover Medical School
Classification: Pathogenic for Autosomal recessive nonsyndromic hearing loss 4. Last evaluated: 2025-04-16. Review status: criteria provided, single submitter. Criteria: ACMG Guidelines, 2015. Collection method: clinical testing. Allele origin: germline. Inheritance: Autosomal recessive inheritance. Affected: yes. Not counted in ClinVar's aggregate classification.
Comment: ClinGen VCEP: PS3_Supporting, PS4, PM3_VeryStrong, PP1_Moderate, PP3, PP4

Center for Genomic Medicine, Rigshospitalet, Copenhagen University Hospital
Classification: Pathogenic. Last evaluated: 2025-03-04. Review status: criteria provided, single submitter. Criteria: ACMG Guidelines, 2015. Collection method: clinical testing. Allele origin: germline. Not counted in ClinVar's aggregate classification.

Victorian Clinical Genetics Services, Murdoch Childrens Research Institute
Classification: Pathogenic for Pendred syndrome. Last evaluated: 2024-10-24. Review status: criteria provided, single submitter. Criteria: ACMG Guidelines, 2015. Collection method: clinical testing. Allele origin: germline. Affected: yes. Not counted in ClinVar's aggregate classification.
Comment: This variant is classified as Pathogenic. Evidence in support of pathogenic classification: Variant is present in gnomAD <0.01 for a recessive condition (v4: 405 heterozygote(s), 1 homozygote(s)); This variant has strong previous evidence of pathogenicity in unrelated individuals. This variant has been classified as pathogenic by the ClinGen Hearing Loss Variant Curation Expert Panel as well as over ten other clinical laboratories in ClinVar; Missense variant consistently predicted to be damaging by in silico tool or highly conserved with a major amino acid change. Additional information: Variant is predicted to result in a missense amino acid change from valine to phenylalanine; This variant is heterozygous; This gene is associated with autosomal recessive disease; Multiple alternative amino acid changes at the same position have been observed in gnomAD (v4) (highest allele count: 14 heterozygotes, 0 homozygotes); Variant is located in the annotated sulphate permease domain (DECIPHER); Loss of function is a known mechanism of disease in this gene and is associated with deafness, autosomal recessive 4, with enlarged vestibular aqueduct (#MIM600791), and Pendred syndrome (#MIM274600); Variants in this gene are known to have variable expressivity. Intrafamilial variability of hearing loss severity has been reported (PMID: 20301640, 24599119); Inheritance information for this variant is not currently available in this individual.

NM_000441.2(SLC26A4):c.412G>T (p.Val138Phe)

Gene: SLC26A4 (solute carrier family 26 member 4; plus strand). Cytogenetic location: 7q22.3.
Variant type: single nucleotide variant.
Coding change: c.412G>T on transcript NM_000441.2 (MANE Select); coding-DNA position 412, G replaced by T.
Protein change: p.Val138Phe; replaces valine 138 with phenylalanine.
Molecular consequence: missense variant.
Genome position (GRCh38, 1-based): chr7:107,672,245, G>T. VCF-style: chr7-107672245-G-T. GRCh37 (hg19) VCF-style: chr7-107312690-G-T.
Other names: NM_000441.1(SLC26A4):c.412G>T(p.Val138Phe); NM_000441.1(SLC26A4):c.412G>T; short protein forms V138F.
Identifiers: ClinVar variation 4835 (VCV000004835.56), dbSNP rs111033199, ClinGen allele CA253312.